The following is an entry in ClinVar:

ClinVar aggregate classification (germline): Conflicting classifications of pathogenicity. Review status: criteria provided, conflicting classifications (1 of 4 stars). 7 submissions from 7 submitters: Likely pathogenic (4); Uncertain significance (2). 1 of the submissions does not count toward it. Last evaluated 2026-01-09.

Conditions:
CFTR-related disorder (CFTR-RD). Also called: CFTR-related disorders; CFTR-related condition. Identifiers: MedGen C5924204, MONDO:7770004.
Congenital bilateral aplasia of vas deferens from CFTR mutation (CBAVD). Identifiers: Orphanet 48, MedGen C0403814, MONDO:0010178, OMIM 277180. Disease mechanism: loss of function.
Cystic fibrosis (CF). Also called: MUCOVISCIDOSIS. Identifiers: Orphanet 586, MedGen C0010674, MONDO:0009061, OMIM 219700. Disease mechanism: loss of function.
Hereditary pancreatitis (PCTT). Also called: PRSS1-Related Hereditary Pancreatitis; Hereditary chronic pancreatitis. Identifiers: Orphanet 676, MedGen C0238339, MONDO:0008185, OMIM 167800.
Bronchiectasis with or without elevated sweat chloride 1 (BESC1). Also called: Cystic Fibrosis-Like Syndrome. Identifiers: Orphanet 60033, MedGen C2749757, MONDO:0008887, OMIM 211400.

Allele frequency attached by ClinVar (database versions not stated): TOPMed 0.00002.
gnomAD v4.1: 2 of 1,613,720 alleles (0.00012%); highest among the groups gnomAD compares: East Asian, 0.0045%; no homozygotes.

Submissions (7):

Natera, Inc.
Classification: Likely pathogenic for CFTR-related disorders. Last evaluated: 2026-01-09. Review status: criteria provided, single submitter. Criteria: Natera Variant Classification Schema (03/2026). Collection method: clinical testing. Allele origin: germline.
Comment: The c.2907A>C variant in CFTR is a synonymous variant that does not alter the encoded amino acid at position 969 (p.A969=). This variant is rare in the general population with a frequency below the threshold expected for the associated phenotype(s). This variant has been observed in one or more individuals affected with the associated recessive disease, as either homozygous or compound heterozygous with a second variant (PMID: 27081564). Functional studies show that this variant may disrupt protein function (PMID: 27081564). Computational prediction algorithms indicate this variant is likely to affect gene or protein function. Given the available evidence, this variant is classified as Likely Pathogenic.

Ambry Genetics
Classification: Likely pathogenic for Cystic fibrosis. Last evaluated: 2025-10-20. Review status: criteria provided, single submitter. Criteria: Ambry Variant Classification Scheme 2023. Collection method: clinical testing. Allele origin: germline.
Comment: The c.2907A>C variant (also known as p.A969A), located in coding exon 17 of the CFTR gene, results from an A to C substitution at nucleotide position 2907. This nucleotide substitution does not change the alanine at codon 969. This variant has been identified in the homozygous state and/or in conjunction with other CFTR variant(s) in individuals with features consistent with cystic fibrosis or CFTR-related disorders (Tian X et al. Hum Genome Var, 2016 Jan;3:15063; Luo S et al. Gene, 2021 Jan;765:145045; Ambry internal data). In addition, RNA studies have demonstrated that this alteration results in exon skipping (Tian X et al. Hum Genome Var, 2016 Jan;3:15063). This nucleotide position is well conserved in available vertebrate species. In silico splice site analysis predicts that this alteration may weaken the native splice donor site. Based on the majority of available evidence to date, this variant is likely to be pathogenic.

Women's Health and Genetics/Laboratory Corporation of America, LabCorp
Classification: Likely pathogenic for Cystic fibrosis. Last evaluated: 2024-07-02. Review status: criteria provided, single submitter. Criteria: LabCorp Variant Classification Summary - May 2015. Collection method: clinical testing. Allele origin: germline.
Comment: Variant summary: CFTR c.2907A>C (p.Ala969Ala) alters a conserved nucleotide located close to a canonical splice site and therefore could affect mRNA splicing, leading to a significantly altered protein sequence. Several computational tools predict a significant impact on normal splicing: One predicts the variant abolishes a 5 splicing donor site. Two predict the variant weakens a 5' donor site. Three predict the variant creates a 3' acceptor site. At least one publication reports experimental evidence that this variant affects mRNA splicing, demonstrating in a HEK293 cell minigene assay that c.2907A>C led to skipping of exon 17, predicted to result in a frameshift and a premature stop codon subject to nonsense mediated decay (example, Tian_2016). The variant allele was found at a frequency of 2.4e-05 in 251120 control chromosomes. c.2907A>C has been reported in the literature in the presumed compound heterozygous state or with 2 additional variants in individuals affected with Cystic Fibrosis and CBAVD (example, Tian_2016, Luo_2021). These data do not allow any conclusion about variant significance. The following publications have been ascertained in the context of this evaluation (PMID: 32777524, 27081564). ClinVar contains an entry for this variant (Variation ID: 549917). Based on the evidence outlined above, the variant was classified as likely pathogenic.

Labcorp Genetics (formerly Invitae), Labcorp
Classification: Uncertain significance for Cystic fibrosis. Last evaluated: 2024-03-22. Review status: criteria provided, single submitter. Criteria: Invitae Variant Classification Sherloc (09022015). Collection method: clinical testing. Allele origin: germline.
Comment: This sequence change affects codon 969 of the CFTR mRNA. It is a 'silent' change, meaning that it does not change the encoded amino acid sequence of the CFTR protein. It affects a nucleotide within the consensus splice site. This variant is present in population databases (rs377502207, gnomAD 0.03%). This variant has been observed in individual(s) with congenital absence of vas deferens and/or cystic fibrosis who had a second CFTR variant (PMID: 27081564, 32777524). ClinVar contains an entry for this variant (Variation ID: 549917). Studies have shown that this variant alters mRNA splicing and is expected to lead to the loss of protein expression (PMID: 27081564). In summary, the available evidence is currently insufficient to determine the role of this variant in disease. Therefore, it has been classified as a Variant of Uncertain Significance.

PreventionGenetics, part of Exact Sciences
Classification: Uncertain significance for CFTR-related condition. Last evaluated: 2023-02-20. Review status: criteria provided, single submitter. Criteria: ACMG Guidelines, 2015. Collection method: clinical testing. Allele origin: germline.
Comment: The CFTR c.2907A>C variant is not predicted to result in an amino acid change (p.=). This variant is predicted to weaken the spice donor site at the exon 17/intron 17 boundary based on available splicing prediction programs (Alamut Visual Plus v1.6.1) and a functional study showed that this variant leads to skipping of exon 17 (Tian et al. 2016. PubMed ID: 27081564). This variant was reported in the compound heterozygous state in an individual with Cystic Fibrosis (C8, Tian et al. 2016. PubMed ID: 27081564) and was reported in three alleles in a study of individuals with congenital absence of the vas deferens (Table 1, No 45, Luo et al. 2021. PubMed ID: 32777524). This variant has not been reported in a large population database, indicating this variant is rare. This variant is reported in 0.033% of alleles in individuals of East Asian descent in gnomAD and has conflicting information regarding its pathogenicity in ClinVar, ranging from likely benign to uncertain significance to likely pathogenic. Although we suspect that this variant may be pathogenic, at this time, the clinical significance of this variant is uncertain due to the absence of conclusive functional and genetic evidence.

Juno Genomics, Hangzhou Juno Genomics, Inc
Classification: Likely pathogenic for Bronchiectasis with or without elevated sweat chloride 1; Hereditary pancreatitis; Congenital bilateral aplasia of vas deferens from CFTR mutation; Cystic fibrosis. Review status: criteria provided, single submitter. Criteria: ACMG Guidelines, 2015. Collection method: clinical testing. Allele origin: germline. Affected: yes.
Comment: Absent from controls (or at extremely low frequency if recessive) in Genome Aggregation Database.;Null variant in a gene where loss of function (LOF) is a known mechanism of disease.;For recessive disorders, detected in trans with a pathogenic variant.;Patient's phenotype or family history is highly specific for a disease with a single genetic etiology.

Counsyl
Classification: Uncertain significance for Cystic fibrosis. Last evaluated: 2018-04-09. Review status: no assertion criteria provided. Collection method: clinical testing. Allele origin: unknown. Not counted in ClinVar's aggregate classification.

Literature cited by the submitters: PubMed 27081564 (cited by 5 submitters); PubMed 32777524 (cited by 3 submitters).

NM_000492.4(CFTR):c.2907A>C (p.Ala969=)

Gene: CFTR (CF transmembrane conductance regulator; plus strand). Cytogenetic location: 7q31.2.
Variant type: single nucleotide variant.
Coding change: c.2907A>C on transcript NM_000492.4 (MANE Select); coding-DNA position 2907, A replaced by C.
Protein change: p.Ala969=; no amino-acid change (alanine 969 retained).
Molecular consequence: synonymous variant.
Genome position (GRCh38, 1-based): chr7:117,603,781, A>C. VCF-style: chr7-117603781-A-C. GRCh37 (hg19) VCF-style: chr7-117243835-A-C.
Identifiers: ClinVar variation 549917 (VCV000549917.19), dbSNP rs377502207, ClinGen allele CA4451308.